The following is an entry in ClinVar:

ClinVar aggregate classification (germline): Uncertain significance (1 of 4 stars; one submission).

Conditions:
Cortical dysplasia-focal epilepsy syndrome (PTHSL1). Also called: Pitt-Hopkins-like syndrome 1. Identifiers: Orphanet 163681, Orphanet 221150, MedGen C2750246, MONDO:0012400, OMIM 610042.

Allele frequency attached by ClinVar (database versions not stated): gnomAD exomes below 0.00001 and 0.00001; ExAC 0.00001; gnomAD 0.00001; TOPMed 0.00002.
gnomAD v4.1: 3 of 1,613,946 alleles (0.00019%); highest among the groups gnomAD compares: African/African-American, 0.004%; no homozygotes.

Submission:

Labcorp Genetics (formerly Invitae), Labcorp
Classification: Uncertain significance for Cortical dysplasia-focal epilepsy syndrome. Last evaluated: 2023-12-21. Review status: criteria provided, single submitter. Criteria: Invitae Variant Classification Sherloc (09022015). Collection method: clinical testing. Allele origin: germline.
Comment: This sequence change replaces aspartic acid, which is acidic and polar, with asparagine, which is neutral and polar, at codon 349 of the CNTNAP2 protein (p.Asp349Asn). This variant is present in population databases (rs774084392, gnomAD 0.01%). This variant has not been reported in the literature in individuals affected with CNTNAP2-related conditions. ClinVar contains an entry for this variant (Variation ID: 1380585). An algorithm developed to predict the effect of missense changes on protein structure and function (PolyPhen-2) suggests that this variant is likely to be tolerated. In summary, the available evidence is currently insufficient to determine the role of this variant in disease. Therefore, it has been classified as a Variant of Uncertain Significance.

NM_014141.6(CNTNAP2):c.1045G>A (p.Asp349Asn)

Gene: CNTNAP2 (contactin associated protein 2; plus strand). Cytogenetic location: 7q35.
Variant type: single nucleotide variant.
Coding change: c.1045G>A on transcript NM_014141.6 (MANE Select); coding-DNA position 1045, G replaced by A.
Protein change: p.Asp349Asn; replaces aspartic acid 349 with asparagine.
Molecular consequence: missense variant.
Genome position (GRCh38, 1-based): chr7:147,128,798, G>A. VCF-style: chr7-147128798-G-A. GRCh37 (hg19) VCF-style: chr7-146825890-G-A.
Other names: short protein forms D349N.
Identifiers: ClinVar variation 1380585 (VCV001380585.6), dbSNP rs774084392, ClinGen allele CA4545954.
Genomic context (GRCh38, chr7:147,128,798, plus strand): 5'-AGTAGAAAGAATTTCAAAGGCTGCATGGAAAGCATCAACTACAATGGCGTCAACATTACT[G>A]ATCTTGCCAGAAGGAAGAAATTAGAGCCCTCAAATGTGGTAAGGATTTTCACCCGCAAAA-3'
Protein context (NP_054860.1, residues 339-359): SINYNGVNIT[Asp349Asn]LARRKKLEPS